The following is an entry in ClinVar:

ClinVar aggregate classification (germline): Likely benign (1 of 4 stars; one submission).

Submission:

CeGaT Center for Human Genetics Tuebingen
Classification: Likely benign. Last evaluated: 2025-03-01. Review status: criteria provided, single submitter. Criteria: CeGaT Center For Human Genetics Tuebingen Variant Classification Criteria Version 2. Collection method: clinical testing. Allele origin: germline. Affected: yes. Observed: 1 variant allele.
Comment: IGFN1: BP4, BP7

NM_001164586.2(IGFN1):c.4629G>A (p.Gly1543=)

Gene: IGFN1 (immunoglobulin like and fibronectin type III domain containing 1; plus strand). Cytogenetic location: 1q32.1.
Variant type: single nucleotide variant.
Coding change: c.4629G>A on transcript NM_001164586.2 (MANE Select); coding-DNA position 4629, G replaced by A.
Protein change: p.Gly1543=; no amino-acid change (glycine 1543 retained).
Molecular consequence: synonymous variant. On other transcripts: intron variant (1).
Genome position (GRCh38, 1-based): chr1:201,209,522, G>A. VCF-style: chr1-201209522-G-A. GRCh37 (hg19) VCF-style: chr1-201178650-G-A.
Other names: c.1241+3388G>A (NM_001367841.1).
Identifiers: ClinVar variation 3778099 (VCV003778099.7).